The following is an entry in ClinVar:

ClinVar aggregate classification (germline): Uncertain significance (1 of 4 stars; one submission).

Allele frequency attached by ClinVar (database versions not stated): TOPMed 0.00001.

Submission:

GeneDx
Classification: Uncertain significance. Last evaluated: 2023-03-27. Review status: criteria provided, single submitter. Criteria: GeneDx Variant Classification Process June 2021. Collection method: clinical testing. Allele origin: germline. Affected: yes.
Comment: Not observed at significant frequency in large population cohorts (gnomAD); In silico analysis supports that this missense variant has a deleterious effect on protein structure/function; Has not been previously published as pathogenic or benign to our knowledge

NM_014727.3(KMT2B):c.4289T>A (p.Leu1430Gln)

Gene: KMT2B (lysine methyltransferase 2B; plus strand). Cytogenetic location: 19q13.12.
Variant type: single nucleotide variant.
Coding change: c.4289T>A on transcript NM_014727.3 (MANE Select); coding-DNA position 4289, T replaced by A.
Protein change: p.Leu1430Gln; replaces leucine 1430 with glutamine.
Molecular consequence: missense variant.
Genome position (GRCh38, 1-based): chr19:35,727,609, T>A. VCF-style: chr19-35727609-T-A. GRCh37 (hg19) VCF-style: chr19-36218510-T-A.
Other names: short protein forms L1430Q.
Identifiers: ClinVar variation 2582068 (VCV002582068.1), dbSNP rs1969513589, ClinGen allele CA405413565.